The following is an entry in ClinVar:

ClinVar aggregate classification (germline): Uncertain significance (1 of 4 stars; one submission).

Conditions:
Chédiak-Higashi syndrome (CHS). Also called: Chediak-Higashi Syndrome. Identifiers: Orphanet 167, MedGen C0007965, MONDO:0008963, OMIM 214500.

Allele frequency attached by ClinVar (database versions not stated): TOPMed below 0.00001; gnomAD exomes 0.00007; ExAC 0.00011; gnomAD 0.00012.
gnomAD v4.1: 116 of 1,613,584 alleles (0.0072%); highest among the groups gnomAD compares: Non-Finnish European, 0.00051%; no homozygotes.

Submission:

Labcorp Genetics (formerly Invitae), Labcorp
Classification: Uncertain significance for Chédiak-Higashi syndrome. Last evaluated: 2024-04-16. Review status: criteria provided, single submitter. Criteria: Invitae Variant Classification Sherloc (09022015). Collection method: clinical testing. Allele origin: germline.
Comment: This sequence change replaces glycine, which is neutral and non-polar, with aspartic acid, which is acidic and polar, at codon 1930 of the LYST protein (p.Gly1930Asp). This variant is present in population databases (rs200877751, gnomAD 0.2%). This variant has not been reported in the literature in individuals affected with LYST-related conditions. ClinVar contains an entry for this variant (Variation ID: 2172788). Advanced modeling of protein sequence and biophysical properties (such as structural, functional, and spatial information, amino acid conservation, physicochemical variation, residue mobility, and thermodynamic stability) has been performed at Invitae for this missense variant, however the output from this modeling did not meet the statistical confidence thresholds required to predict the impact of this variant on LYST protein function. In summary, the available evidence is currently insufficient to determine the role of this variant in disease. Therefore, it has been classified as a Variant of Uncertain Significance.

NM_000081.4(LYST):c.5789G>A (p.Gly1930Asp)

Gene: LYST (lysosomal trafficking regulator; minus strand). Cytogenetic location: 1q42.3.
Variant type: single nucleotide variant.
Coding change: c.5789G>A on transcript NM_000081.4 (MANE Select); coding-DNA position 5789, G replaced by A.
Protein change: p.Gly1930Asp; replaces glycine 1930 with aspartic acid.
Molecular consequence: missense variant.
Genome position (GRCh38, 1-based): chr1:235,770,293, C>T on the plus strand (G>A on the coding strand, the complement: LYST is on the minus strand). VCF-style: chr1-235770293-C-T. GRCh37 (hg19) VCF-style: chr1-235933593-C-T.
Other names: c.5789G>A, p.Gly1930Asp (NM_001301365.1); short protein forms G1930D.
Identifiers: ClinVar variation 2172788 (VCV002172788.3), dbSNP rs200877751, ClinGen allele CA1466520.